The following is an entry in ClinVar:

NM_002025.4(AFF2):c.1042-5T>G

Gene: AFF2 (ALF transcription elongation factor 2; plus strand). Cytogenetic location: Xq28.
Variant type: single nucleotide variant.
Coding change: c.1042-5T>G on transcript NM_002025.4 (MANE Select); 5 bases into the intron before coding-DNA position 1042, T replaced by G.
Molecular consequence: intron variant.
Genome position (GRCh38, 1-based): chrX:148,809,871, T>G. VCF-style: chrX-148809871-T-G. GRCh37 (hg19) VCF-style: chrX-147891395-T-G.
Other names: c.1042-5T>G (NM_001169124.2); c.1030-5T>G (NM_001169123.2, NM_001169122.2, NM_001169125.2); c.52-5T>G (NM_001170628.1).
Identifiers: ClinVar variation 512417 (VCV000512417.1), dbSNP rs1557271664, ClinGen allele CA645045334.

ClinVar aggregate classification (germline): Likely benign (1 of 4 stars; one submission).

Allele frequency attached by ClinVar (database versions not stated): gnomAD exomes below 0.00001 and 0.00001; gnomAD 0.00002.
gnomAD v4.1: 3 of 1,208,782 alleles (0.00025%); highest among the groups gnomAD compares: East Asian, 0.0089%; no homozygotes.

Submission:

GeneDx
Classification: Likely benign. Last evaluated: 2017-10-02. Review status: criteria provided, single submitter. Criteria: GeneDx Variant Classification (06012015). Collection method: clinical testing. Allele origin: germline. Affected: yes.
Comment: This variant is considered likely benign or benign based on one or more of the following criteria: it is a conservative change, it occurs at a poorly conserved position in the protein, it is predicted to be benign by multiple in silico algorithms, and/or has population frequency not consistent with disease.